The following is an entry in ClinVar:

NM_000531.6(OTC):c.645dup (p.Gln216fs)

Gene: OTC (ornithine transcarbamylase; plus strand). Cytogenetic location: Xp11.4.
Variant type: Duplication.
Coding change: c.645dup on transcript NM_000531.6 (MANE Select); coding-DNA position 645, one base duplicated (T; older notation c.645dupT).
Protein change: p.Gln216fs; shifts the reading frame from glutamine 216.
Molecular consequence: frameshift variant.
Genome position (GRCh38, 1-based): chrX:38,403,722, T duplicated; the last of 2 consecutive T bases (chrX:38,403,721-38,403,722); duplicating either gives the same sequence. VCF-style (leftmost placement, unchanged base first): chrX-38403720-C-CT. GRCh37 (hg19) VCF-style: chrX-38262973-C-CT.
Other names: short protein forms Q216fs.
Identifiers: ClinVar variation 97279 (VCV000097279.2), dbSNP rs72558422, ClinGen allele CA224723.

ClinVar aggregate classification (germline): Pathogenic (0 of 4 stars; one submission).

Submission:

GenMed Metabolism Lab
Classification: Pathogenic. Review status: no assertion criteria provided. Collection method: not provided. Allele origin: unknown.
Comment: Frameshift, Neonatal
ClinVar note: Converted during submission from pathogenic to Pathogenic.